The following is an entry in ClinVar:

NM_004360.5(CDH1):c.2204C>A (p.Ala735Glu)

Gene: CDH1 (cadherin 1; plus strand). Cytogenetic location: 16q22.1.
Variant type: single nucleotide variant.
Coding change: c.2204C>A on transcript NM_004360.5 (MANE Select); coding-DNA position 2204, C replaced by A.
Protein change: p.Ala735Glu; replaces alanine 735 with glutamic acid.
Molecular consequence: missense variant.
Genome position (GRCh38, 1-based): chr16:68,828,213, C>A. VCF-style: chr16-68828213-C-A. GRCh37 (hg19) VCF-style: chr16-68862116-C-A.
Other names: c.2021C>A, p.Ala674Glu (NM_001317184.2); c.656C>A, p.Ala219Glu (NM_001317185.2); c.239C>A, p.Ala80Glu (NM_001317186.2); short protein forms A735E, A219E, A674E, A80E.
Identifiers: ClinVar variation 406614 (VCV000406614.21), dbSNP rs587782464, ClinGen allele CA16615412.

ClinVar aggregate classification (germline): Conflicting classifications of pathogenicity. Review status: criteria provided, conflicting classifications (1 of 4 stars). 4 submissions from 4 submitters: Uncertain significance (3); Likely benign (1). Last evaluated 2024-01-29.

Conditions:
Hereditary cancer-predisposing syndrome. Also called: Tumor predisposition; Neoplastic Syndromes, Hereditary; Hereditary Cancer Syndrome; Hereditary neoplastic syndrome. Identifiers: Orphanet 140162, MedGen C0027672, MeSH D009386, MONDO:0015356.
Hereditary diffuse gastric adenocarcinoma (HDGC). Also called: DIFFUSE GASTRIC AND LOBULAR BREAST CANCER SYNDROME. Identifiers: Orphanet 26106, MedGen C1708349, MONDO:0007648, OMIM 137215.

Submissions (4):

Ambry Genetics
Classification: Likely benign for Hereditary cancer-predisposing syndrome. Last evaluated: 2024-01-29. Review status: criteria provided, single submitter. Criteria: Ambry Variant Classification Scheme 2023. Collection method: clinical testing. Allele origin: germline.

Color Diagnostics, LLC DBA Color Health
Classification: Uncertain significance for Hereditary cancer-predisposing syndrome. Last evaluated: 2023-12-05. Review status: criteria provided, single submitter. Criteria: ACMG Guidelines, 2015. Collection method: clinical testing. Allele origin: germline.
Comment: This missense variant replaces alanine with glutamic acid at codon 735 of the CDH1 protein. To our knowledge, functional studies have not been reported for this variant. This variant has not been reported in individuals affected with CDH1-related disorders in the literature. This variant has not been identified in the general population by the Genome Aggregation Database (gnomAD). The available evidence is insufficient to determine the role of this variant in disease conclusively. Therefore, this variant is classified as a Variant of Uncertain Significance.

Labcorp Genetics (formerly Invitae), Labcorp
Classification: Uncertain significance for Hereditary diffuse gastric adenocarcinoma. Last evaluated: 2022-09-01. Review status: criteria provided, single submitter. Criteria: Invitae Variant Classification Sherloc (09022015). Collection method: clinical testing. Allele origin: germline.
Comment: This variant is not present in population databases (gnomAD no frequency). This sequence change replaces alanine, which is neutral and non-polar, with glutamic acid, which is acidic and polar, at codon 735 of the CDH1 protein (p.Ala735Glu). This variant has not been reported in the literature in individuals affected with CDH1-related conditions. In summary, the available evidence is currently insufficient to determine the role of this variant in disease. Therefore, it has been classified as a Variant of Uncertain Significance. Algorithms developed to predict the effect of missense changes on protein structure and function (SIFT, PolyPhen-2, Align-GVGD) all suggest that this variant is likely to be tolerated. ClinVar contains an entry for this variant (Variation ID: 406614).

Mendelics
Classification: Uncertain significance for Hereditary diffuse gastric cancer. Last evaluated: 2018-07-02. Review status: criteria provided, single submitter. Criteria: Mendelics Assertion Criteria 2017. Collection method: clinical testing. Allele origin: unknown.